The following is an entry in ClinVar:

NM_020964.3(EPG5):c.1346A>T (p.Asp449Val)

Genes: EPG5 (ectopic P-granules 5 autophagy tethering factor; minus strand), LOC126862737 (P300/CBP strongly-dependent group 1 enhancer GRCh37_chr18:43530707-43531906; plus strand). Cytogenetic location: 18q21.1.
Variant type: single nucleotide variant.
Coding change: c.1346A>T on transcript NM_020964.3 (MANE Select); coding-DNA position 1346, A replaced by T.
Protein change: p.Asp449Val; replaces aspartic acid 449 with valine.
Molecular consequence: missense variant.
Genome position (GRCh38, 1-based): chr18:45,951,145, T>A on the plus strand (A>T on the coding strand, the complement: EPG5 is on the minus strand). VCF-style: chr18-45951145-T-A. GRCh37 (hg19) VCF-style: chr18-43531111-T-A.
Other names: short protein forms D449V.
Identifiers: ClinVar variation 1368886 (VCV001368886.9), dbSNP rs2143722158, ClinGen allele CA402349582.

ClinVar aggregate classification (germline): Uncertain significance (1 of 4 stars; one submission).

Conditions:
Vici syndrome (VICIS). Identifiers: Orphanet 1493, MedGen C1855772, MONDO:0009452, OMIM 242840.

Submission:

Labcorp Genetics (formerly Invitae), Labcorp
Classification: Uncertain significance for Vici syndrome. Last evaluated: 2021-04-19. Review status: criteria provided, single submitter. Criteria: Invitae Variant Classification Sherloc (09022015). Collection method: clinical testing. Allele origin: germline.
Comment: This variant has not been reported in the literature in individuals with EPG5-related conditions. In summary, the available evidence is currently insufficient to determine the role of this variant in disease. Therefore, it has been classified as a Variant of Uncertain Significance. Algorithms developed to predict the effect of missense changes on protein structure and function are either unavailable or do not agree on the potential impact of this missense change (SIFT: "Deleterious"; PolyPhen-2: "Probably Damaging"; Align-GVGD: "Class C0"). This variant is not present in population databases (ExAC no frequency). This sequence change replaces aspartic acid with valine at codon 449 of the EPG5 protein (p.Asp449Val). The aspartic acid residue is moderately conserved and there is a large physicochemical difference between aspartic acid and valine.